The following is an entry in ClinVar:

NM_000138.5(FBN1):c.3929dup (p.Tyr1311fs)

Gene: FBN1 (fibrillin 1; minus strand). Cytogenetic location: 15q21.1.
Variant type: Duplication.
Coding change: c.3929dup on transcript NM_000138.5 (MANE Select); coding-DNA position 3929, one base duplicated (G; older notation c.3929dupG).
Protein change: p.Tyr1311fs; shifts the reading frame from tyrosine 1311.
Molecular consequence: frameshift variant.
Genome position (GRCh38, 1-based): chr15:48,481,690, C duplicated on the plus strand (G on the coding strand, the reverse complement: FBN1 is on the minus strand); the first of 3 consecutive C bases (chr15:48,481,690-48,481,692); duplicating any one gives the same sequence. VCF-style (leftmost placement, unchanged base first): chr15-48481689-G-GC. GRCh37 (hg19) VCF-style: chr15-48773886-G-GC.
Other names: short protein forms Y1311fs.
Identifiers: ClinVar variation 1070993 (VCV001070993.3), dbSNP rs2141287336, ClinGen allele CA2499222994.

ClinVar aggregate classification (germline): Pathogenic (1 of 4 stars; one submission).

Conditions:
Familial thoracic aortic aneurysm and aortic dissection (TAAD). Also called: Thoracic aortic aneurysms and dissections. Identifiers: Orphanet 91387, MedGen C4707243, MONDO:0019625.
Marfan syndrome (MFS). Also called: Marfan syndrome type 1; Marfan's syndrome; Marfan syndrome, classic; MARFAN SYNDROME, TYPE I; FBN1-Related Marfan Syndrome. Identifiers: Orphanet 284963, Orphanet 558, MedGen C0024796, MONDO:0007947, OMIM 154700.

Submission:

Labcorp Genetics (formerly Invitae), Labcorp
Classification: Pathogenic for Marfan syndrome; Familial thoracic aortic aneurysm and aortic dissection. Last evaluated: 2025-09-23. Review status: criteria provided, single submitter. Criteria: Invitae Variant Classification Sherloc (09022015). Collection method: clinical testing. Allele origin: germline.
Comment: This sequence change creates a premature translational stop signal (p.Tyr1311Leufs*15) in the FBN1 gene. It is expected to result in an absent or disrupted protein product. Loss-of-function variants in FBN1 are known to be pathogenic (PMID: 17657824, 19293843). This variant is not present in population databases (gnomAD no frequency). This variant has not been reported in the literature in individuals affected with FBN1-related conditions. ClinVar contains an entry for this variant (Variation ID: 1070993). For these reasons, this variant has been classified as Pathogenic.

Literature cited by the submitters: PubMed 17657824; PubMed 19293843.